The following is an entry in ClinVar:

NM_015662.3(IFT172):c.2806A>G (p.Thr936Ala)

Genes: IFT172 (intraflagellar transport 172; minus strand), LOC126806174 (CDK7 strongly-dependent group 2 enhancer GRCh37_chr2:27681686-27682885; plus strand). Cytogenetic location: 2p23.3.
Variant type: single nucleotide variant.
Coding change: c.2806A>G on transcript NM_015662.3 (MANE Select); coding-DNA position 2806, A replaced by G.
Protein change: p.Thr936Ala; replaces threonine 936 with alanine.
Molecular consequence: missense variant.
Genome position (GRCh38, 1-based): chr2:27,458,850, T>C on the plus strand (A>G on the coding strand, the complement: IFT172 is on the minus strand). VCF-style: chr2-27458850-T-C. GRCh37 (hg19) VCF-style: chr2-27681717-T-C.
Other names: c.2740A>G, p.Thr914Ala (NM_001410739.1); c.2806A>G (NM_015662.2); short protein forms T914A, T936A.
Identifiers: ClinVar variation 1912554 (VCV001912554.3), dbSNP rs1666402714, ClinGen allele CA346381685.

ClinVar aggregate classification (germline): Uncertain significance. Review status: criteria provided, single submitter (1 of 4 stars). 2 submissions from 2 submitters: Uncertain significance (1). 1 of the submissions does not count toward it. Last evaluated 2022-05-05.

Conditions:
Short-rib thoracic dysplasia 10 with or without polydactyly (SRTD10). Identifiers: Orphanet 474, MedGen C3810175, MONDO:0014284, OMIM 615630.
Retinitis pigmentosa 71 (RP71). Identifiers: Orphanet 791, MedGen C4225342, MONDO:0014618, OMIM 616394.
IFT172-related disorder. Also called: IFT172-related condition; IFT172-related disorders.

Allele frequency attached by ClinVar (database versions not stated): gnomAD exomes 0.00001.
gnomAD v4.1: 9 of 1,614,096 alleles (0.00056%); highest among the groups gnomAD compares: Middle Eastern, 0.033%; no homozygotes.

Submissions (2):

Labcorp Genetics (formerly Invitae), Labcorp
Classification: Uncertain significance for Retinitis pigmentosa 71; Short-rib thoracic dysplasia 10 with or without polydactyly. Last evaluated: 2022-05-05. Review status: criteria provided, single submitter. Criteria: Invitae Variant Classification Sherloc (09022015). Collection method: clinical testing. Allele origin: germline.
Comment: This sequence change replaces threonine, which is neutral and polar, with alanine, which is neutral and non-polar, at codon 936 of the IFT172 protein (p.Thr936Ala). This variant is not present in population databases (gnomAD no frequency). This variant has not been reported in the literature in individuals affected with IFT172-related conditions. Algorithms developed to predict the effect of missense changes on protein structure and function output the following: SIFT: "Tolerated"; PolyPhen-2: "Benign"; Align-GVGD: "Class C0". The alanine amino acid residue is found in multiple mammalian species, which suggests that this missense change does not adversely affect protein function. In summary, the available evidence is currently insufficient to determine the role of this variant in disease. Therefore, it has been classified as a Variant of Uncertain Significance.

PreventionGenetics, part of Exact Sciences
Classification: Uncertain significance for IFT172-related condition. Last evaluated: 2023-11-21. Review status: no assertion criteria provided. Collection method: clinical testing. Allele origin: germline. Not counted in ClinVar's aggregate classification.
Comment: The IFT172 c.2806A>G variant is predicted to result in the amino acid substitution p.Thr936Ala. To our knowledge, this variant has not been reported in the literature or in a large population database, indicating this variant is rare. At this time, the clinical significance of this variant is uncertain due to the absence of conclusive functional and genetic evidence.